The following is an entry in ClinVar:

NM_001377299.1(NDUFS2):c.781-4A>G

Gene: NDUFS2 (NADH:ubiquinone oxidoreductase core subunit S2; plus strand). Cytogenetic location: 1q23.3.
Variant type: single nucleotide variant.
Coding change: c.781-4A>G on transcript NM_001377299.1 (MANE Select); 4 bases into the intron before coding-DNA position 781, A replaced by G.
Molecular consequence: intron variant.
Genome position (GRCh38, 1-based): chr1:161,210,300, A>G. VCF-style: chr1-161210300-A-G. GRCh37 (hg19) VCF-style: chr1-161180090-A-G.
Other names: c.781-4A>G (NM_001377300.1, NM_001377298.1, NM_001377301.1 and 3 more transcripts).
Identifiers: ClinVar variation 214798 (VCV000214798.2), dbSNP rs761521965, ClinGen allele CA322526.
Genomic context (GRCh38, chr1:161,210,300, plus strand): 5'-AAATACAGAGATATTTGAAGAGTGTGAGGAAGAGTATTAACACACCAGTTTTCTTGATCA[A>G]TAGTTGCTGACCAACAATAGGATCTGGCGAAATCGGACAATTGACATTGGGGTTGTAACA-3'

ClinVar aggregate classification (germline): Uncertain significance (1 of 4 stars; one submission).

Allele frequency attached by ClinVar (database versions not stated): gnomAD exomes below 0.00001 and 0.00001; TOPMed below 0.00001; ExAC 0.00002; gnomAD 0.00002.
gnomAD v4.1: 5 of 1,613,558 alleles (0.00031%); highest among the groups gnomAD compares: African/African-American, 0.0013%; no homozygotes.

Submission:

GeneDx
Classification: Uncertain significance. Last evaluated: 2012-09-18. Review status: criteria provided, single submitter. Criteria: GeneDx Variant Classification (06012015). Collection method: clinical testing. Allele origin: germline. Affected: yes.
Comment: c.781-4 A>G:IVS8-4 A>G in intron 8 of the NDUFS2 gene (NM_004550.4). The c.781-4 A>G sequence change has not been published as a mutation, nor has it been reported as a benign polymorphism to our knowledge. Two in-silico splice prediction models predict that c.781-4 A>G damages the natural splice acceptor in intron 8, while a third predicts that c.781-4 A>G results in a cryptic splice site that is of approximately the same strength as the natural splice acceptor site. The true effect of c.781-4 A>G on splicing in vivo is not known. Therefore, based on the currently available information it is unclear whether c.781-4 A>G is a disease causing mutation or a rare benign variant. The variant is found in LSME-MITOP panel(s).